The following is an entry in ClinVar:

ClinVar aggregate classification (germline): Likely benign (1 of 4 stars; one submission).

Conditions:
EP300-related disorder. Also called: EP300-related condition; EP300-related disorders.

gnomAD v4.1: 3 of 1,613,918 alleles (0.00019%); highest among the groups gnomAD compares: Non-Finnish European, 0.00017%; no homozygotes.

Submission:

PreventionGenetics, part of Exact Sciences
Classification: Likely benign for EP300-related condition. Last evaluated: 2026-07-28. Review status: criteria provided, single submitter. Criteria: ACMG Guidelines, 2015. Collection method: clinical testing. Allele origin: germline.
Comment: This variant is classified as likely benign based on ACMG/AMP sequence variant interpretation guidelines (Richards et al. 2015 PMID: 25741868, with internal and published modifications).

NM_001429.4(EP300):c.6558G>A (p.Gln2186=)

Gene: EP300 (EP300 lysine acetyltransferase; plus strand). Cytogenetic location: 22q13.2.
Variant type: single nucleotide variant.
Coding change: c.6558G>A on transcript NM_001429.4 (MANE Select); coding-DNA position 6558, G replaced by A.
Protein change: p.Gln2186=; no amino-acid change (glutamine 2186 retained).
Molecular consequence: synonymous variant.
Genome position (GRCh38, 1-based): chr22:41,178,269, G>A. VCF-style: chr22-41178269-G-A. GRCh37 (hg19) VCF-style: chr22-41574273-G-A.
Other names: c.6480G>A, p.Gln2160= (NM_001362843.2).
Identifiers: ClinVar variation 4996533 (VCV004996533.1).
Genomic context (GRCh38, chr22:41,178,269, plus strand): 5'-GCAGATGAACATGAACCACAACACCATGCCTTCACAATTCCGAGACATCTTGAGACGACA[G>A]CAAATGATGCAACAGCAGCAGCAACAGGGAGCAGGGCCAGGAATAGGCCCTGGAATGGCC-3'
Protein context (NP_001420.2, residues 2176-2196): PSQFRDILRR[Gln2186=]QMMQQQQQQG